The following is an entry in ClinVar:

ClinVar aggregate classification (germline): Uncertain significance (1 of 4 stars; one submission).

Conditions:
Carnitine palmitoyltransferase II deficiency. Also called: Carnitine Palmitoyltransferase 2 Deficiency. Identifiers: Orphanet 157, MedGen C0342790, MONDO:0015515.

gnomAD v4.1: 2 of 1,539,124 alleles (0.00013%); highest among the groups gnomAD compares: Non-Finnish European, 0.00017%; no homozygotes.

Submission:

Labcorp Genetics (formerly Invitae), Labcorp
Classification: Uncertain significance for Carnitine palmitoyltransferase II deficiency. Last evaluated: 2024-10-18. Review status: criteria provided, single submitter. Criteria: Invitae Variant Classification Sherloc (09022015). Collection method: clinical testing. Allele origin: germline.
Comment: This sequence change replaces arginine, which is basic and polar, with cysteine, which is neutral and slightly polar, at codon 37 of the CPT2 protein (p.Arg37Cys). This variant is not present in population databases (gnomAD no frequency). This variant has not been reported in the literature in individuals affected with CPT2-related conditions. ClinVar contains an entry for this variant (Variation ID: 1484607). Invitae Evidence Modeling of protein sequence and biophysical properties (such as structural, functional, and spatial information, amino acid conservation, physicochemical variation, residue mobility, and thermodynamic stability) indicates that this missense variant is not expected to disrupt CPT2 protein function with a negative predictive value of 80%. In summary, the available evidence is currently insufficient to determine the role of this variant in disease. Therefore, it has been classified as a Variant of Uncertain Significance.

NM_000098.3(CPT2):c.109C>T (p.Arg37Cys)

Genes: CPT2 (carnitine palmitoyltransferase 2; plus strand), LOC129930561 (ATAC-STARR-seq lymphoblastoid silent region 902; plus strand). Cytogenetic location: 1p32.3.
Variant type: single nucleotide variant.
Coding change: c.109C>T on transcript NM_000098.3 (MANE Select); coding-DNA position 109, C replaced by T.
Protein change: p.Arg37Cys; replaces arginine 37 with cysteine.
Molecular consequence: missense variant.
Genome position (GRCh38, 1-based): chr1:53,197,052, C>T. VCF-style: chr1-53197052-C-T. GRCh37 (hg19) VCF-style: chr1-53662724-C-T.
Other names: c.109C>T, p.Arg37Cys (NM_001330589.2); short protein forms R37C.
Identifiers: ClinVar variation 1484607 (VCV001484607.5), dbSNP rs1645327746, ClinGen allele CA340388762.